The following is an entry in ClinVar:

NM_005908.4(MANBA):c.2102C>G (p.Thr701Arg)

Gene: MANBA (mannosidase beta; minus strand). Cytogenetic location: 4q24.
Variant type: single nucleotide variant.
Coding change: c.2102C>G on transcript NM_005908.4 (MANE Select); coding-DNA position 2102, C replaced by G.
Protein change: p.Thr701Arg; replaces threonine 701 with arginine.
Molecular consequence: missense variant.
Genome position (GRCh38, 1-based): chr4:102,635,920, G>C on the plus strand (C>G on the coding strand, the complement: MANBA is on the minus strand). VCF-style: chr4-102635920-G-C. GRCh37 (hg19) VCF-style: chr4-103557077-G-C.
Other names: short protein forms T701R.
Identifiers: ClinVar variation 1514244 (VCV001514244.7), dbSNP rs2866413, ClinGen allele CA3026715.

ClinVar aggregate classification (germline): Uncertain significance. Review status: criteria provided, multiple submitters, no conflicts (2 of 4 stars). 2 submissions from 2 submitters: Uncertain significance (2). Last evaluated 2025-05-08.

Conditions:
Beta-D-mannosidosis (MANSB). Also called: MANNOSIDOSIS, BETA A, LYSOSOMAL; BETA-MANNOSIDASE DEFICIENCY; Beta-Mannosidosis; LYSOSOMAL BETA-MANNOSIDASE DEFICIENCY. Identifiers: Orphanet 118, MedGen C4048196, MONDO:0009562, OMIM 248510.

gnomAD v4.1: 75 of 1,609,844 alleles (0.0047%); highest among the groups gnomAD compares: Admixed American, 0.0067%; no homozygotes.

Submissions (2):

Labcorp Genetics (formerly Invitae), Labcorp
Classification: Uncertain significance for Beta-D-mannosidosis. Last evaluated: 2025-05-08. Review status: criteria provided, single submitter. Criteria: Invitae Variant Classification Sherloc (09022015). Collection method: clinical testing. Allele origin: germline.
Comment: This sequence change replaces threonine, which is neutral and polar, with arginine, which is basic and polar, at codon 701 of the MANBA protein (p.Thr701Arg). This variant is present in population databases (rs2866413, gnomAD 0.005%). This variant has not been reported in the literature in individuals affected with MANBA-related conditions. ClinVar contains an entry for this variant (Variation ID: 1514244). Invitae Evidence Modeling of protein sequence and biophysical properties (such as structural, functional, and spatial information, amino acid conservation, physicochemical variation, residue mobility, and thermodynamic stability) indicates that this missense variant is not expected to disrupt MANBA protein function with a negative predictive value of 80%. In summary, the available evidence is currently insufficient to determine the role of this variant in disease. Therefore, it has been classified as a Variant of Uncertain Significance.

Blueprint Genetics
Classification: Uncertain significance. Last evaluated: 2022-10-10. Review status: criteria provided, single submitter. Criteria: ACMG Guidelines, 2015. Collection method: clinical testing. Allele origin: germline.